The following is an entry in ClinVar:

ClinVar aggregate classification (germline): Benign/Likely benign. Review status: criteria provided, multiple submitters, no conflicts (2 of 4 stars). 8 submissions from 6 submitters: Benign (7); Likely benign (1). Last evaluated 2026-02-04.

Conditions:
Thrombophilia due to thrombin defect (THPH1). Also called: Thrombosis susceptibility; THROMBOPHILIA DUE TO FACTOR 2 DEFECT; Prothrombin-Related Thrombophilia (Factor II); Prothrombin Thrombophilia. Identifiers: MedGen C3160733, MONDO:0008559, OMIM 188050. Disease mechanism: gain of function, loss of function.
Congenital factor V deficiency. Also called: LABILE FACTOR DEFICIENCY; OWREN PARAHEMOPHILIA; PARAHEMOPHILIA; Hereditary factor V deficiency disease. Identifiers: Orphanet 326, MedGen C0015499, MONDO:0009210, OMIM 227400.
Budd-Chiari syndrome (BDCHS). Also called: Hepatic vein obstruction. Identifiers: Orphanet 131, MedGen C0856761, MONDO:0010947, OMIM 600880, HP:0002639.
Factor V deficiency. Also called: Reduced coagulation factor V activity. Identifiers: Orphanet 326, MedGen C4317320, MONDO:0020586, HP:0003225.

Allele frequency attached by ClinVar (database versions not stated): 1000 Genomes Project 30x 0.04435; ESP Exome Variant Server 0.04521; 1000 Genomes Project 0.04553; TOPMed 0.05140; gnomAD 0.05387 and 0.05507; ExAC 0.06175; gnomAD exomes 0.06177 and 0.06537.
gnomAD v4.1: 98,665 of 1,614,122 alleles (6.1%); highest among the groups gnomAD compares: Admixed American, 9.8%; 3,539 homozygotes.

Submissions (8):

Labcorp Genetics (formerly Invitae), Labcorp
Classification: Benign for Congenital factor V deficiency. Last evaluated: 2026-02-04. Review status: criteria provided, single submitter. Criteria: Invitae Variant Classification Sherloc (09022015). Collection method: clinical testing. Allele origin: germline.

GeneDx
Classification: Benign. Last evaluated: 2019-09-19. Review status: criteria provided, single submitter. Criteria: GeneDx Variant Classification Process June 2021. Collection method: clinical testing. Allele origin: germline. Affected: yes.

Illumina Laboratory Services, Illumina
Classification: Benign for Budd-Chiari syndrome. Last evaluated: 2018-01-13. Review status: criteria provided, single submitter. Criteria: ICSL Variant Classification Criteria 13 December 2019. Collection method: clinical testing. Allele origin: germline.
Comment: This variant was observed in the ICSL laboratory as part of a predisposition screen in an ostensibly healthy population. It had not been previously curated by ICSL or reported in the Human Gene Mutation Database (HGMD: prior to June 1st, 2018), and was therefore a candidate for classification through an automated scoring system. Utilizing variant allele frequency, disease prevalence and penetrance estimates, and inheritance mode, an automated score was calculated to assess if this variant is too frequent to cause the disease. Based on the score and internal cut-off values, a variant classified as benign is not then subjected to further curation. The score for this variant resulted in a classification of benign for this disease.

Illumina Laboratory Services, Illumina
Classification: Benign for Congenital factor V deficiency. Last evaluated: 2018-01-13. Review status: criteria provided, single submitter. Criteria: ICSL Variant Classification Criteria 13 December 2019. Collection method: clinical testing. Allele origin: germline.
Comment: the same text as in the submission from Illumina Laboratory Services, Illumina above.

Illumina Laboratory Services, Illumina
Classification: Benign for Venous thrombosis. Last evaluated: 2018-01-13. Review status: criteria provided, single submitter. Criteria: ICSL Variant Classification Criteria 13 December 2019. Collection method: clinical testing. Allele origin: germline.
Comment: the same text as in the submission from Illumina Laboratory Services, Illumina above.

Mayo Clinic Laboratories, Mayo Clinic
Classification: Benign. Last evaluated: 2016-05-26. Review status: criteria provided, single submitter. Criteria: ACMG Guidelines, 2015. Collection method: clinical testing. Allele origin: germline. Observed: 33 variant alleles.

Breakthrough Genomics
Classification: Likely benign. Review status: criteria provided, single submitter. Criteria: ACMG Guidelines, 2015. Collection method: not provided. Allele origin: germline. Inheritance: Autosomal recessive inheritance. Affected: yes.

PreventionGenetics, part of Exact Sciences
Classification: Benign. Review status: criteria provided, single submitter. Criteria: ACMG Guidelines, 2015. Collection method: clinical testing. Allele origin: germline.

NM_000130.5(F5):c.2289A>G (p.Glu763=)

Gene: F5 (coagulation factor V; minus strand). Cytogenetic location: 1q24.2.
Variant type: single nucleotide variant.
Coding change: c.2289A>G on transcript NM_000130.5 (MANE Select); coding-DNA position 2289, A replaced by G.
Protein change: p.Glu763=; no amino-acid change (glutamic acid 763 retained).
Molecular consequence: synonymous variant.
Genome position (GRCh38, 1-based): chr1:169,542,801, T>C on the plus strand (A>G on the coding strand, the complement: F5 is on the minus strand). VCF-style: chr1-169542801-T-C. GRCh37 (hg19) VCF-style: chr1-169512039-T-C.
Other names: p.Glu763=.
Identifiers: ClinVar variation 255195 (VCV000255195.14), dbSNP rs6024, ClinGen allele CA1234112.
Genomic context (GRCh38, chr1:169,542,801, plus strand): 5'-AATATTACTTGGGGAAGAATAATTTGAACCAACAATTATATCTGTGTTTGAAGAAACGAA[T>C]TCAGTGCCATTCTCCAGAGCTAGGGCAGTAAGATTGAACTCTTCTTCTTCCTGATTCAAT-3'
Protein context (NP_000121.2, residues 753-773): LTALALENGT[Glu763=]FVSSNTDIIV